The following is an entry in ClinVar:

ClinVar aggregate classification (germline): Likely pathogenic (1 of 4 stars; one submission).

Conditions:
Breast-ovarian cancer, familial, susceptibility to, 3. Also called: RAD51C-Related Breast/Ovarian Cancer. Identifiers: Orphanet 145, MedGen C3150659, MONDO:0013253, OMIM 613399.

Submission:

Myriad Genetics, Inc.
Classification: Likely pathogenic for Breast-ovarian cancer, familial, susceptibility to, 3. Last evaluated: 2024-12-26. Review status: criteria provided, single submitter. Criteria: Myriad Autosomal Dominant, Autosomal Recessive and X-Linked Classification Criteria (2023). Collection method: clinical testing. Allele origin: unknown.
Comment: This variant is considered likely pathogenic. Functional studies indicate this variant impacts protein function [PMID: 39299233, 37253112]. This variant is expected to disrupt protein structure [Myriad internal data].

Literature cited by the submitters: PubMed 39299233; PubMed 37253112.

NM_058216.3(RAD51C):c.391A>G (p.Lys131Glu)

Gene: RAD51C (RAD51 paralog C; plus strand). Cytogenetic location: 17q22.
Variant type: single nucleotide variant.
Coding change: c.391A>G on transcript NM_058216.3 (MANE Select); coding-DNA position 391, A replaced by G.
Protein change: p.Lys131Glu; replaces lysine 131 with glutamic acid.
Molecular consequence: missense variant. On other transcripts: non-coding transcript variant (2).
Genome position (GRCh38, 1-based): chr17:58,695,176, A>G. VCF-style: chr17-58695176-A-G. GRCh37 (hg19) VCF-style: chr17-56772537-A-G.
Other names: c.391A>G, p.Lys131Glu (NM_002876.4); short protein forms K131E.
Identifiers: ClinVar variation 3903771 (VCV003903771.1).